The following is an entry in ClinVar:

ClinVar aggregate classification (germline): Uncertain significance. Review status: criteria provided, multiple submitters, no conflicts (2 of 4 stars). 2 submissions from 2 submitters: Uncertain significance (2). Last evaluated 2025-07-01.

Conditions:
Clark-Baraitser syndrome. Also called: BARAITSER SYNDROME; Mental retardation, tall stature, obesity, macrocephaly and typical facial features; MENTAL RETARDATION, AUTOSOMAL DOMINANT 49; Intellectual disability, autosomal dominant 49. Identifiers: Orphanet 600731, MedGen C2931130, MONDO:0030914, OMIM 617752.
Inborn genetic diseases. Identifiers: MedGen C0950123, MeSH D030342.

Allele frequency attached by ClinVar (database versions not stated): gnomAD exomes below 0.00001.
gnomAD v4.1: 2 of 1,614,132 alleles (0.00012%); highest among the groups gnomAD compares: Non-Finnish European, 0.000085%; no homozygotes.

Submissions (2):

Ambry Genetics
Classification: Uncertain significance for Inborn genetic diseases. Last evaluated: 2025-07-01. Review status: criteria provided, single submitter. Criteria: Ambry Variant Classification Scheme 2023. Collection method: clinical testing. Allele origin: germline.

New York Genome Center
Classification: Uncertain significance for Clark-Baraitser syndrome. Last evaluated: 2020-03-13. Review status: criteria provided, single submitter. Criteria: NYGC Assertion Criteria 2020. Collection method: clinical testing. Allele origin: inherited. Observed: 1 heterozygote. Study: CSER-NYCKidSeq.
Comment: The inherited c.1360G>A (p.Ala454Thr) missense variant in exon 8 of 41 of TRIP12 has not been reported in affected individuals in the available literature. This variant is not present in gnomAD indicating it is not a common benign variant in the populations represented in this database. In silico predictors suggest this variant is Neutral (Provean; score: -1.1) and Damaging (SIFT; score: 0.017). Given the conflicting evidence regarding its pathogenicity, the c.1360G>A (p.Ala454Thr) variant identified in the TRIP12 gene is reported here as a Variant of Uncertain Significance.

NM_001348323.3(TRIP12):c.1486G>A (p.Ala496Thr)

Gene: TRIP12 (thyroid hormone receptor interactor 12; minus strand). Cytogenetic location: 2q36.3.
Variant type: single nucleotide variant.
Coding change: c.1486G>A on transcript NM_001348323.3 (MANE Select); coding-DNA position 1486, G replaced by A.
Protein change: p.Ala496Thr; replaces alanine 496 with threonine.
Molecular consequence: missense variant.
Genome position (GRCh38, 1-based): chr2:229,818,477, C>T on the plus strand (G>A on the coding strand, the complement: TRIP12 is on the minus strand). VCF-style: chr2-229818477-C-T. GRCh37 (hg19) VCF-style: chr2-230683193-C-T.
Other names: c.1486G>A, p.Ala496Thr (NM_001348325.2, NM_001348326.2, NM_001348327.2 and 11 more transcripts); c.1360G>A, p.Ala454Thr (NM_001348331.1, NM_001284215.2, NM_001348316.2 and 2 more transcripts); c.1399G>A, p.Ala467Thr (NM_001348332.1); c.1342G>A, p.Ala448Thr (NM_004238.3); c.1342G>A (NM_004238.1); c.451G>A, p.Ala151Thr (NM_001284216.2); short protein forms A151T, A448T, A454T, A467T, A496T.
Identifiers: ClinVar variation 978119 (VCV000978119.3), dbSNP rs2049053255, ClinGen allele CA350923557.
Genomic context (GRCh38, chr2:229,818,477, plus strand): 5'-CCATGACCAGTAACTGACACATCTCAATAACTGCCTGAAGCTGTTGACTTTCATCACTGG[C>T]TTGCAATCCTTGTAGTAGCTGCTGGGCCTTAGAACCTTTAGAGAAAAAAATAATTATTAT-3'
Protein context (NP_001335252.1, residues 486-506): KAQQLLQGLQ[Ala496Thr]SDESQQLQAV